The following is an entry in ClinVar:

ClinVar aggregate classification (germline): Uncertain significance (1 of 4 stars; one submission).

Allele frequency attached by ClinVar (database versions not stated): gnomAD 0.00001.
gnomAD v4.1: 2 of 1,609,644 alleles (0.00012%); highest among the groups gnomAD compares: Admixed American, 0.0017%; no homozygotes.

Submission:

Labcorp Genetics (formerly Invitae), Labcorp
Classification: Uncertain significance. Last evaluated: 2023-07-17. Review status: criteria provided, single submitter. Criteria: Invitae Variant Classification Sherloc (09022015). Collection method: clinical testing. Allele origin: germline.
Comment: This sequence change replaces alanine, which is neutral and non-polar, with serine, which is neutral and polar, at codon 320 of the MNX1 protein (p.Ala320Ser). This variant is not present in population databases (gnomAD no frequency). This variant has not been reported in the literature in individuals affected with MNX1-related conditions. ClinVar contains an entry for this variant (Variation ID: 1495499). Advanced modeling of protein sequence and biophysical properties (such as structural, functional, and spatial information, amino acid conservation, physicochemical variation, residue mobility, and thermodynamic stability) performed at Invitae indicates that this missense variant is not expected to disrupt MNX1 protein function. In summary, the available evidence is currently insufficient to determine the role of this variant in disease. Therefore, it has been classified as a Variant of Uncertain Significance.

NM_005515.4(MNX1):c.958G>T (p.Ala320Ser)

Gene: MNX1 (motor neuron and pancreas homeobox 1; minus strand). Cytogenetic location: 7q36.3.
Variant type: single nucleotide variant.
Coding change: c.958G>T on transcript NM_005515.4 (MANE Select); coding-DNA position 958, G replaced by T.
Protein change: p.Ala320Ser; replaces alanine 320 with serine.
Molecular consequence: missense variant.
Genome position (GRCh38, 1-based): chr7:157,005,768, C>A on the plus strand (G>T on the coding strand, the complement: MNX1 is on the minus strand). VCF-style: chr7-157005768-C-A. GRCh37 (hg19) VCF-style: chr7-156798462-C-A.
Other names: c.322G>T, p.Ala108Ser (NM_001165255.2); short protein forms A108S, A320S.
Identifiers: ClinVar variation 1495499 (VCV001495499.6), dbSNP rs1805585236, ClinGen allele CA370161773.